The following is an entry in ClinVar:

NM_004104.5(FASN):c.7398+4C>T

Gene: FASN (fatty acid synthase; minus strand). Cytogenetic location: 17q25.3.
Variant type: single nucleotide variant.
Coding change: c.7398+4C>T on transcript NM_004104.5 (MANE Select); 4 bases into the intron after coding-DNA position 7398, C replaced by T.
Molecular consequence: intron variant.
Genome position (GRCh38, 1-based): chr17:82,079,353, G>A on the plus strand (C>T on the coding strand, the complement: FASN is on the minus strand). VCF-style: chr17-82079353-G-A. GRCh37 (hg19) VCF-style: chr17-80037229-G-A.
Identifiers: ClinVar variation 462111 (VCV000462111.14), dbSNP rs369516022, ClinGen allele CA8851014.

ClinVar aggregate classification (germline): Likely benign. Review status: criteria provided, single submitter (1 of 4 stars). 2 submissions from 2 submitters: Likely benign (1). 1 of the submissions does not count toward it. Last evaluated 2026-01-13.

Conditions:
FASN-related disorder. Also called: FASN-related condition.
Epileptic encephalopathy. Identifiers: MedGen C0543888, HP:0200134.

Allele frequency attached by ClinVar (database versions not stated): 1000 Genomes Project 0.00020; 1000 Genomes Project 30x 0.00031; TOPMed 0.00099; ESP Exome Variant Server 0.00108.
gnomAD v4.1: 526 of 1,612,990 alleles (0.033%); highest among the groups gnomAD compares: African/African-American, 0.26%; 2 homozygotes.

Submissions (2):

Labcorp Genetics (formerly Invitae), Labcorp
Classification: Likely benign for Epileptic encephalopathy. Last evaluated: 2026-01-13. Review status: criteria provided, single submitter. Criteria: Invitae Variant Classification Sherloc (09022015). Collection method: clinical testing. Allele origin: germline.

PreventionGenetics, part of Exact Sciences
Classification: Likely benign for FASN-related condition. Last evaluated: 2020-01-14. Review status: no assertion criteria provided. Collection method: clinical testing. Allele origin: germline. Not counted in ClinVar's aggregate classification.
Comment: This variant is classified as likely benign based on ACMG/AMP sequence variant interpretation guidelines (Richards et al. 2015 PMID: 25741868, with internal and published modifications).